The following is an entry in ClinVar:

ClinVar aggregate classification (germline): Likely benign (1 of 4 stars; one submission).

Allele frequency attached by ClinVar (database versions not stated): gnomAD 0.00466 and 0.00501; TOPMed 0.00490; 1000 Genomes Project 0.00539; 1000 Genomes Project 30x 0.00562.
gnomAD v4.1: 704 of 152,308 alleles (0.46%); highest among the groups gnomAD compares: African/African-American, 1.6%; 6 homozygotes.

Submission:

GeneDx
Classification: Likely benign. Last evaluated: 2018-06-16. Review status: criteria provided, single submitter. Criteria: GeneDx Variant Classification (06012015). Collection method: clinical testing. Allele origin: germline. Affected: yes.
Comment: This variant is considered likely benign or benign based on one or more of the following criteria: it is a conservative change, it occurs at a poorly conserved position in the protein, it is predicted to be benign by multiple in silico algorithms, and/or has population frequency not consistent with disease.

NM_004369.4(COL6A3):c.8567+337C>A

Gene: COL6A3 (collagen type VI alpha 3 chain; minus strand). Cytogenetic location: 2q37.3.
Variant type: single nucleotide variant.
Coding change: c.8567+337C>A on transcript NM_004369.4 (MANE Select); 337 bases into the intron after coding-DNA position 8567, C replaced by A.
Molecular consequence: intron variant.
Genome position (GRCh38, 1-based): chr2:237,338,678, G>T on the plus strand (C>A on the coding strand, the complement: COL6A3 is on the minus strand). VCF-style: chr2-237338678-G-T. GRCh37 (hg19) VCF-style: chr2-238247321-G-T.
Other names: c.6746+337C>A (NM_057166.5); c.7949+337C>A (NM_057167.4).
Identifiers: ClinVar variation 673599 (VCV000673599.1), dbSNP rs145216890, ClinGen allele CA67832263.
Genomic context (GRCh38, chr2:237,338,678, plus strand): 5'-ATTAGCCAGGCATGGCTGCATGCACCTGTAGTCCCAGCTACTCGGGAGGCTGAAGCATGA[G>T]AATTGCTTGAATCCAGGAGGCAGAGGTTACAGTGAGCCAAGATTGCACAACTGCAGTCCA-3'